The following is an entry in ClinVar:

ClinVar aggregate classification (germline): Pathogenic. Review status: criteria provided, multiple submitters, no conflicts (2 of 4 stars). 3 submissions from 3 submitters: Pathogenic (3). Last evaluated 2024-04-23.

Conditions:
Autosomal recessive spastic paraplegia type 78. Identifiers: Orphanet 513436, MedGen C5567893, MONDO:0014975, OMIM 617225.
Kufor-Rakeb syndrome (KRS). Also called: PARKINSON DISEASE 9, AUTOSOMAL RECESSIVE, JUVENILE-ONSET. Identifiers: Orphanet 306674, Orphanet 314632, MedGen C1847640, MONDO:0011706, OMIM 606693.
Neurodegeneration with brain iron accumulation (NBIA). Identifiers: Orphanet 385, MedGen C2931845, MONDO:0018307.

Allele frequency attached by ClinVar (database versions not stated): gnomAD 0.00001.
gnomAD v4.1: 1 of 1,613,948 alleles (0.000062%); highest among the groups gnomAD compares: Admixed American, 0.0017%; no homozygotes.

Submissions (3):

University of Science and Technology Houari Boumediene, Laboratory of Molecular and Cellular Biology (LBCM)
Classification: Pathogenic for Kufor-Rakeb syndrome. Last evaluated: 2024-04-23. Review status: criteria provided, single submitter. Criteria: ACMG Guidelines, 2015. Collection method: research. Allele origin: biparental. Inheritance: Autosomal recessive inheritance. Affected: yes. Observed: 1 homozygote.
Comment: This variant is classified as pathogenic because it is a stop-gain variant identified in the homozygote state in a single case. In silico prediction tools, including CADD and MutationTaster, predict this variant to be disease-causing. This variant is not reported in publicly available databases (1000 Genomes and gnomAD). It is associated with the following publication (PMID: 29163333).

Women's Health and Genetics/Laboratory Corporation of America, LabCorp
Classification: Pathogenic for Neurodegeneration with brain iron accumulation. Last evaluated: 2023-01-31. Review status: criteria provided, single submitter. Criteria: LabCorp Variant Classification Summary - May 2015. Collection method: clinical testing. Allele origin: germline.
Comment: Variant summary: ATP13A2 c.774G>A (p.Trp258X) results in a premature termination codon, predicted to cause a truncation of the encoded protein or absence of the protein due to nonsense mediated decay, which are commonly known mechanisms for disease. At least one truncation downstream of this position has been classified as pathogenic by our laboratory. The variant was absent in 250810 control chromosomes (gnomAD). These data indicate that the variant is likely to be associated with disease. To our knowledge, no experimental evidence demonstrating an impact on protein function has been reported. No clinical diagnostic laboratories have submitted clinical-significance assessments for this variant to ClinVar after 2014. Based on the evidence outlined above, the variant was classified as pathogenic.

Labcorp Genetics (formerly Invitae), Labcorp
Classification: Pathogenic for Kufor-Rakeb syndrome; Autosomal recessive spastic paraplegia type 78. Last evaluated: 2022-12-06. Review status: criteria provided, single submitter. Criteria: Invitae Variant Classification Sherloc (09022015). Collection method: clinical testing. Allele origin: germline.
Comment: This sequence change creates a premature translational stop signal (p.Trp258*) in the ATP13A2 gene. It is expected to result in an absent or disrupted protein product. Loss-of-function variants in ATP13A2 are known to be pathogenic (PMID: 16964263, 21696388). This variant is present in population databases (no rsID available, gnomAD 0.1%). This premature translational stop signal has been observed in individuals with ATP13A2-related conditions (PMID: 29163333). For these reasons, this variant has been classified as Pathogenic.

Literature cited by the submitters: PubMed 29163333 (cited by Women's Health and Genetics/Laboratory Corporation of America, LabCorp and Labcorp Genetics (formerly Invitae), Labcorp); PubMed 16964263 (cited by Labcorp Genetics (formerly Invitae), Labcorp); PubMed 21696388 (cited by Labcorp Genetics (formerly Invitae), Labcorp).

NM_022089.4(ATP13A2):c.774G>A (p.Trp258Ter)

Gene: ATP13A2 (ATPase cation transporting 13A2; minus strand). Cytogenetic location: 1p36.13.
Variant type: single nucleotide variant.
Coding change: c.774G>A on transcript NM_022089.4 (MANE Select); coding-DNA position 774, G replaced by A.
Protein change: p.Trp258Ter; replaces tryptophan 258 with a stop codon.
Molecular consequence: nonsense.
Genome position (GRCh38, 1-based): chr1:17,000,466, C>T on the plus strand (G>A on the coding strand, the complement: ATP13A2 is on the minus strand). VCF-style: chr1-17000466-C-T. GRCh37 (hg19) VCF-style: chr1-17326961-C-T.
Other names: p.Trp258Ter; c.774G>A (NM_022089.3, NM_022089.2); c.759G>A, p.Trp253Ter (NM_001141973.3, NM_001141974.3); short protein forms W253*, W258*.
Identifiers: ClinVar variation 2046647 (VCV002046647.11), dbSNP rs1334843918, ClinGen allele CA338258539.